The following is an entry in ClinVar:

NC_000016.9:g.(?_87960334)_(87970056_?)del

Gene: CA5A (carbonic anhydrase 5A; minus strand). Cytogenetic location: 16q24.2.
Variant type: Deletion.
Identifiers: ClinVar variation 1457965 (VCV001457965.5).

ClinVar aggregate classification (germline): Pathogenic (1 of 4 stars; one submission).

Conditions:
Hyperammonemic encephalopathy due to carbonic anhydrase VA deficiency. Also called: Carbonic anhydrase VA deficiency, hyperammonemia due to; Carbonic Anhydrase VA Deficiency. Identifiers: Orphanet 401948, MedGen C4706871, MONDO:0014332, OMIM 615751.

Submission:

Labcorp Genetics (formerly Invitae), Labcorp
Classification: Pathogenic for Hyperammonemic encephalopathy due to carbonic anhydrase VA deficiency. Last evaluated: 2022-08-23. Review status: criteria provided, single submitter. Criteria: Invitae Variant Classification Sherloc (09022015). Collection method: clinical testing. Allele origin: germline.
Comment: For these reasons, this variant has been classified as Pathogenic. A similar copy number variant has been observed in individual(s) with clinical features of carbonic anhydrase VA deficiency (PMID: 31641285). This variant is a gross deletion of the genomic region encompassing exon(s) 1-2 of the CA5A gene, which includes the initiator codon. This deletion extends beyond the assayed region for this gene and therefore may encompass additional genes. It is expected to result in an absent or disrupted protein product. Loss-of-function variants in CA5A are known to be pathogenic (PMID: 24530203, 26913920).

Literature cited by the submitters: PubMed 31641285; PubMed 24530203; PubMed 26913920.